The following is an entry in ClinVar:

ClinVar aggregate classification (germline): Uncertain significance (1 of 4 stars; one submission).

Conditions:
Autosomal dominant limb-girdle muscular dystrophy type 1F (LGMDD2). Also called: MUSCULAR DYSTROPHY, LIMB-GIRDLE, AUTOSOMAL DOMINANT 2; Limb-girdle muscular dystrophy, type 1F. Identifiers: Orphanet 55595, MedGen C1842062, MONDO:0012034, OMIM 608423.

Submission:

Labcorp Genetics (formerly Invitae), Labcorp
Classification: Uncertain significance for Autosomal dominant limb-girdle muscular dystrophy type 1F. Last evaluated: 2020-02-21. Review status: criteria provided, single submitter. Criteria: Invitae Variant Classification Sherloc (09022015). Collection method: clinical testing. Allele origin: germline.
Comment: This sequence change replaces leucine with tryptophan at codon 276 of the TNPO3 protein (p.Leu276Trp). The leucine residue is highly conserved and there is a small physicochemical difference between leucine and tryptophan. This variant is not present in population databases (ExAC no frequency). This variant has not been reported in the literature in individuals with TNPO3-related conditions. Algorithms developed to predict the effect of missense changes on protein structure and function (SIFT, PolyPhen-2, Align-GVGD) all suggest that this variant is likely to be disruptive, but these predictions have not been confirmed by published functional studies and their clinical significance is uncertain. In summary, the available evidence is currently insufficient to determine the role of this variant in disease. Therefore, it has been classified as a Variant of Uncertain Significance.

NM_012470.4(TNPO3):c.827T>G (p.Leu276Trp)

Gene: TNPO3 (transportin 3; minus strand). Cytogenetic location: 7q32.1.
Variant type: single nucleotide variant.
Coding change: c.827T>G on transcript NM_012470.4 (MANE Select); coding-DNA position 827, T replaced by G.
Protein change: p.Leu276Trp; replaces leucine 276 with tryptophan.
Molecular consequence: missense variant. On other transcripts: non-coding transcript variant (18).
Genome position (GRCh38, 1-based): chr7:129,001,104, A>C on the plus strand (T>G on the coding strand, the complement: TNPO3 is on the minus strand). VCF-style: chr7-129001104-A-C. GRCh37 (hg19) VCF-style: chr7-128641158-A-C.
Other names: c.827T>G, p.Leu276Trp (NM_001191028.3, NM_001382216.1, NM_001382218.1 and 4 more transcripts); c.908T>G, p.Leu303Trp (NM_001382217.1); c.683T>G, p.Leu228Trp (NM_001382221.1); short protein forms L228W, L276W, L303W.
Identifiers: ClinVar variation 1023237 (VCV001023237.11), dbSNP rs1801898949, ClinGen allele CA369238674.